The following is an entry in ClinVar:

NM_015346.4(ZFYVE26):c.6866T>C (p.Leu2289Pro)

Gene: ZFYVE26 (zinc finger FYVE-type containing 26; minus strand). Cytogenetic location: 14q24.1.
Variant type: single nucleotide variant.
Coding change: c.6866T>C on transcript NM_015346.4 (MANE Select); coding-DNA position 6866, T replaced by C.
Protein change: p.Leu2289Pro; replaces leucine 2289 with proline.
Molecular consequence: missense variant.
Genome position (GRCh38, 1-based): chr14:67,755,171, A>G on the plus strand (T>C on the coding strand, the complement: ZFYVE26 is on the minus strand). VCF-style: chr14-67755171-A-G. GRCh37 (hg19) VCF-style: chr14-68221888-A-G.
Other names: short protein forms L2289P.
Identifiers: ClinVar variation 566071 (VCV000566071.6), dbSNP rs1566863511, ClinGen allele CA390160810.

ClinVar aggregate classification (germline): Uncertain significance (1 of 4 stars; one submission).

Conditions:
Spastic paraplegia. Identifiers: MedGen C0037772, HP:0001258.

gnomAD v4.1: 3 of 1,614,150 alleles (0.00019%); no homozygotes.

Submission:

Labcorp Genetics (formerly Invitae), Labcorp
Classification: Uncertain significance for Spastic paraplegia. Last evaluated: 2022-07-12. Review status: criteria provided, single submitter. Criteria: Invitae Variant Classification Sherloc (09022015). Collection method: clinical testing. Allele origin: germline.
Comment: This sequence change replaces leucine, which is neutral and non-polar, with proline, which is neutral and non-polar, at codon 2289 of the ZFYVE26 protein (p.Leu2289Pro). This variant is not present in population databases (gnomAD no frequency). This variant has not been reported in the literature in individuals affected with ZFYVE26-related conditions. ClinVar contains an entry for this variant (Variation ID: 566071). Algorithms developed to predict the effect of missense changes on protein structure and function are either unavailable or do not agree on the potential impact of this missense change (SIFT: "Deleterious"; PolyPhen-2: "Probably Damaging"; Align-GVGD: "Class C0"). In summary, the available evidence is currently insufficient to determine the role of this variant in disease. Therefore, it has been classified as a Variant of Uncertain Significance.